The following is an entry in ClinVar:

NM_002439.5(MSH3):c.3025A>T (p.Thr1009Ser)

Gene: MSH3 (mutS homolog 3; plus strand). Cytogenetic location: 5q14.1.
Variant type: single nucleotide variant.
Coding change: c.3025A>T on transcript NM_002439.5 (MANE Select); coding-DNA position 3025, A replaced by T.
Protein change: p.Thr1009Ser; replaces threonine 1009 with serine.
Molecular consequence: missense variant.
Genome position (GRCh38, 1-based): chr5:80,864,837, A>T. VCF-style: chr5-80864837-A-T. GRCh37 (hg19) VCF-style: chr5-80160656-A-T.
Other names: short protein forms T1009S.
Identifiers: ClinVar variation 2282931 (VCV002282931.5), dbSNP rs2478789051, ClinGen allele CA360346120.

ClinVar aggregate classification (germline): Uncertain significance. Review status: criteria provided, multiple submitters, no conflicts (2 of 4 stars). 2 submissions from 2 submitters: Uncertain significance (2). Last evaluated 2025-03-10.

Conditions:
Hereditary cancer-predisposing syndrome. Also called: Neoplastic Syndromes, Hereditary; Tumor predisposition; Hereditary Cancer Syndrome; Hereditary neoplastic syndrome. Identifiers: Orphanet 140162, MedGen C0027672, MeSH D009386, MONDO:0015356.

Submissions (2):

Labcorp Genetics (formerly Invitae), Labcorp
Classification: Uncertain significance. Last evaluated: 2025-03-10. Review status: criteria provided, single submitter. Criteria: Invitae Variant Classification Sherloc (09022015). Collection method: clinical testing. Allele origin: germline.
Comment: This sequence change replaces threonine, which is neutral and polar, with serine, which is neutral and polar, at codon 1009 of the MSH3 protein (p.Thr1009Ser). This variant is not present in population databases (gnomAD no frequency). This variant has not been reported in the literature in individuals affected with MSH3-related conditions. ClinVar contains an entry for this variant (Variation ID: 2282931). An algorithm developed to predict the effect of missense changes on protein structure and function (PolyPhen-2) suggests that this variant is likely to be disruptive. In summary, the available evidence is currently insufficient to determine the role of this variant in disease. Therefore, it has been classified as a Variant of Uncertain Significance.

Ambry Genetics
Classification: Uncertain significance for Hereditary cancer-predisposing syndrome. Last evaluated: 2022-04-12. Review status: criteria provided, single submitter. Criteria: Ambry Variant Classification Scheme 2023. Collection method: clinical testing. Allele origin: germline.